The following is an entry in ClinVar:

ClinVar aggregate classification (germline): Uncertain significance. Review status: criteria provided, multiple submitters, no conflicts (2 of 4 stars). 2 submissions from 2 submitters: Uncertain significance (2). Last evaluated 2025-11-18.

Conditions:
Episodic ataxia type 2 (EA2). Also called: ATAXIA, EPISODIC, WITH NYSTAGMUS; ATAXIA, FAMILIAL PAROXYSMAL; CEREBELLAR ATAXIA, PAROXYSMAL, ACETAZOLAMIDE-RESPONSIVE; CEREBELLOPATHY, HEREDITARY PAROXYSMAL; EPISODIC ATAXIA, NYSTAGMUS-ASSOCIATED; ACETAZOLAMIDE-RESPONSIVE HEREDITARY PAROXYSMAL CEREBELLAR ATAXIA. Identifiers: Orphanet 97, MedGen C1720416, MONDO:0007163, OMIM 108500.
Developmental and epileptic encephalopathy, 42 (DEE42A). Also called: Epileptic encephalopathy, early infantile, 42; DEVELOPMENTAL AND EPILEPTIC ENCEPHALOPATHY 42A; EPILEPTIC ENCEPHALOPATHY, EARLY INFANTILE, 42A. Identifiers: MedGen C4310716, MONDO:0014917, OMIM 617106.

gnomAD v4.1: 11 of 1,469,884 alleles (0.00075%); highest among the groups gnomAD compares: Non-Finnish European, 0.00092%; no homozygotes.

Submissions (2):

Labcorp Genetics (formerly Invitae), Labcorp
Classification: Uncertain significance for Developmental and epileptic encephalopathy, 42; Episodic ataxia type 2. Last evaluated: 2025-11-18. Review status: criteria provided, single submitter. Criteria: Invitae Variant Classification Sherloc (09022015). Collection method: clinical testing. Allele origin: germline.
Comment: This sequence change replaces leucine, which is neutral and non-polar, with phenylalanine, which is neutral and non-polar, at codon 1179 of the CACNA1A protein (p.Leu1179Phe). This variant is present in population databases (rs556266465, gnomAD 0.002%). This variant has not been reported in the literature in individuals affected with CACNA1A-related conditions. ClinVar contains an entry for this variant (Variation ID: 1256583). Invitae Evidence Modeling of protein sequence and biophysical properties (such as structural, functional, and spatial information, amino acid conservation, physicochemical variation, residue mobility, and thermodynamic stability) indicates that this missense variant is not expected to disrupt CACNA1A protein function with a negative predictive value of 95%. In summary, the available evidence is currently insufficient to determine the role of this variant in disease. Therefore, it has been classified as a Variant of Uncertain Significance.

Athena Diagnostics
Classification: Uncertain significance. Last evaluated: 2020-09-15. Review status: criteria provided, single submitter. Criteria: Athena Diagnostics criteria. Collection method: clinical testing. Allele origin: unknown.

NM_001127222.2(CACNA1A):c.3532C>T (p.Leu1178Phe)

Gene: CACNA1A (calcium voltage-gated channel subunit alpha1 A; minus strand). Cytogenetic location: 19p13.13.
Variant type: single nucleotide variant.
Coding change: c.3532C>T on transcript NM_001127222.2 (MANE Select); coding-DNA position 3532, C replaced by T.
Protein change: p.Leu1178Phe; replaces leucine 1178 with phenylalanine.
Molecular consequence: missense variant.
Genome position (GRCh38, 1-based): chr19:13,286,524, G>A on the plus strand (C>T on the coding strand, the complement: CACNA1A is on the minus strand). VCF-style: chr19-13286524-G-A. GRCh37 (hg19) VCF-style: chr19-13397338-G-A.
Other names: c.3544C>T, p.Leu1182Phe (NM_000068.4, NM_023035.3); c.3535C>T, p.Leu1179Phe (NM_001127221.2, NM_001174080.2); short protein forms L1178F, L1179F, L1182F.
Identifiers: ClinVar variation 1256583 (VCV001256583.2), dbSNP rs556266465, ClinGen allele CA9240291.